The following is an entry in ClinVar:

NM_001035.3(RYR2):c.5080A>G (p.Met1694Val)

Gene: RYR2 (ryanodine receptor 2; plus strand). Cytogenetic location: 1q43.
Variant type: single nucleotide variant.
Coding change: c.5080A>G on transcript NM_001035.3 (MANE Select); coding-DNA position 5080, A replaced by G.
Protein change: p.Met1694Val; replaces methionine 1694 with valine.
Molecular consequence: missense variant.
Genome position (GRCh38, 1-based): chr1:237,614,208, A>G. VCF-style: chr1-237614208-A-G. GRCh37 (hg19) VCF-style: chr1-237777508-A-G.
Other names: c.5080A>G (NM_001035.2); short protein forms M1694V.
Identifiers: ClinVar variation 1418497 (VCV001418497.13), dbSNP rs1486465466, ClinGen allele CA345403975.

ClinVar aggregate classification (germline): Uncertain significance. Review status: criteria provided, multiple submitters, no conflicts (2 of 4 stars). 4 submissions from 4 submitters: Uncertain significance (4). Last evaluated 2026-07-22.

Conditions:
Cardiovascular phenotype. Identifiers: MedGen CN230736.
Arrhythmogenic right ventricular dysplasia 2. Identifiers: MedGen C1832931.
Catecholaminergic polymorphic ventricular tachycardia 1. Also called: RYR2-Related Catecholaminergic Polymorphic Ventricular Tachycardia; VENTRICULAR TACHYCARDIA, STRESS-INDUCED POLYMORPHIC 1; VENTRICULAR TACHYCARDIA, CATECHOLAMINERGIC POLYMORPHIC, 1, WITH OR WITHOUT ATRIAL DYSFUNCTION AND/OR DILATED CARDIOMYOPATHY. Identifiers: Orphanet 3286, MedGen C1631597, MONDO:0011484, OMIM 604772.
Cardiomyopathy (CMYO). Also called: Cardiomyopathies. Identifiers: Orphanet 167848, MedGen C0878544, MONDO:0004994, HP:0001638. Inheritance: Various modes of inheritance.

Submissions (4):

Ambry Genetics
Classification: Uncertain significance for Cardiovascular phenotype. Last evaluated: 2026-07-22. Review status: criteria provided, single submitter. Criteria: Ambry Variant Classification Scheme 2023. Collection method: clinical testing. Allele origin: germline.
Comment: The p.M1694V variant (also known as c.5080A>G), located in coding exon 37 of the RYR2 gene, results from an A to G substitution at nucleotide position 5080. The methionine at codon 1694 is replaced by valine, an amino acid with highly similar properties. This amino acid position is well conserved in available vertebrate species. In addition, the in silico prediction for this alteration is inconclusive. Based on the available evidence, the clinical significance of this variant remains unclear.

Labcorp Genetics (formerly Invitae), Labcorp
Classification: Uncertain significance for Catecholaminergic polymorphic ventricular tachycardia 1. Last evaluated: 2025-02-05. Review status: criteria provided, single submitter. Criteria: Invitae Variant Classification Sherloc (09022015). Collection method: clinical testing. Allele origin: germline.
Comment: This sequence change replaces methionine, which is neutral and non-polar, with valine, which is neutral and non-polar, at codon 1694 of the RYR2 protein (p.Met1694Val). This variant is present in population databases (no rsID available, gnomAD 0.006%). This variant has not been reported in the literature in individuals affected with RYR2-related conditions. ClinVar contains an entry for this variant (Variation ID: 1418497). Invitae Evidence Modeling of protein sequence and biophysical properties (such as structural, functional, and spatial information, amino acid conservation, physicochemical variation, residue mobility, and thermodynamic stability) indicates that this missense variant is not expected to disrupt RYR2 protein function with a negative predictive value of 95%. In summary, the available evidence is currently insufficient to determine the role of this variant in disease. Therefore, it has been classified as a Variant of Uncertain Significance.

Color Diagnostics, LLC DBA Color Health
Classification: Uncertain significance for Cardiomyopathy. Last evaluated: 2024-11-05. Review status: criteria provided, single submitter. Criteria: ACMG Guidelines, 2015. Collection method: clinical testing. Allele origin: germline.
Comment: This missense variant replaces methionine with valine at codon 1694 of the RYR2 protein. Computational prediction suggests that this variant may not impact protein structure and function. To our knowledge, functional studies have not been reported for this variant. This variant has not been reported in individuals affected with cardiovascular disorders in the literature. This variant has been identified in 1/249232 chromosomes in the general population by the Genome Aggregation Database (gnomAD). The available evidence is insufficient to determine the role of this variant in disease conclusively. Therefore, this variant is classified as a Variant of Uncertain Significance.

Blueprint Genetics
Classification: Uncertain significance. Last evaluated: 2017-05-25. Review status: criteria provided, single submitter. Criteria: ACMG Guidelines, 2015. Collection method: clinical testing. Allele origin: germline.